The following is an entry in ClinVar:

ClinVar aggregate classification (germline): Likely benign (1 of 4 stars; one submission).

Conditions:
Cataract 22 multiple types. Also called: Cataract 22; CATARACT 22, NUCLEAR, AUTOSOMAL RECESSIVE; CATARACT 22, MULTIPLE TYPES, AUTOSOMAL DOMINANT. Identifiers: Orphanet 91492, MedGen C1857853, MONDO:0012336, OMIM 609741.

Allele frequency attached by ClinVar (database versions not stated): gnomAD 0.00010 and 0.00019; TOPMed 0.00014; 1000 Genomes Project 0.00160; 1000 Genomes Project 30x 0.00172.
gnomAD v4.1: 218 of 838,514 alleles (0.026%); highest among the groups gnomAD compares: East Asian, 0.53%; no homozygotes.

Submission:

Illumina Laboratory Services, Illumina
Classification: Likely benign for Cataract 22 multiple types. Last evaluated: 2018-01-13. Review status: criteria provided, single submitter. Criteria: ICSL Variant Classification Criteria 13 December 2019. Collection method: clinical testing. Allele origin: germline.
Comment: This variant was observed in the ICSL laboratory as part of a predisposition screen in an ostensibly healthy population. It had not been previously curated by ICSL or reported in the Human Gene Mutation Database (HGMD: prior to June 1st, 2018), and was therefore a candidate for classification through an automated scoring system. Utilizing variant allele frequency, disease prevalence and penetrance estimates, and inheritance mode, an automated score was calculated to assess if this variant is too frequent to cause the disease. Based on the score and internal cut-off values, a variant classified as likely benign is not then subjected to further curation. The score for this variant resulted in a classification of likely benign for this disease.

NM_004076.5(CRYBB3):c.*129G>A

Gene: CRYBB3 (crystallin beta B3; plus strand). Cytogenetic location: 22q11.23.
Variant type: single nucleotide variant.
Coding change: c.*129G>A on transcript NM_004076.5 (MANE Select); 129 bases downstream of the stop codon, G replaced by A.
Molecular consequence: 3 prime UTR variant.
Genome position (GRCh38, 1-based): chr22:25,207,341, G>A. VCF-style: chr22-25207341-G-A. GRCh37 (hg19) VCF-style: chr22-25603308-G-A.
Identifiers: ClinVar variation 903360 (VCV000903360.4), dbSNP rs561311265, ClinGen allele CA322728158.